The following is an entry in ClinVar:

ClinVar aggregate classification (germline): Uncertain significance (1 of 4 stars; one submission).

Submission:

GeneDx
Classification: Uncertain significance. Last evaluated: 2017-06-15. Review status: criteria provided, single submitter. Criteria: GeneDx Variant Classification (06012015). Collection method: clinical testing. Allele origin: germline. Affected: yes.
Comment: The M333I variant in the CYP4F22 gene has not been reported previously as a pathogenic variant, nor as a benign variant, to our knowledge. The M333I variant is not observed in large population cohorts (Lek et al., 2016; 1000 Genomes Consortium et al., 2015; Exome Variant Server). The M333I variant is a conservative amino acid substitution, which is not likely to impact secondary protein structure as these residues share similar properties. However, this substitution occurs at a position that is conserved across species, and in silico analysis predicts this variant is probably damaging to the protein structure/function. We interpret M333I as a variant of uncertain significance.

NM_173483.4(CYP4F22):c.999G>T (p.Met333Ile)

Gene: CYP4F22 (cytochrome P450 family 4 subfamily F member 22; plus strand). Cytogenetic location: 19p13.12.
Variant type: single nucleotide variant.
Coding change: c.999G>T on transcript NM_173483.4 (MANE Select); coding-DNA position 999, G replaced by T.
Protein change: p.Met333Ile; replaces methionine 333 with isoleucine.
Molecular consequence: missense variant.
Genome position (GRCh38, 1-based): chr19:15,544,030, G>T. VCF-style: chr19-15544030-G-T. GRCh37 (hg19) VCF-style: chr19-15654841-G-T.
Other names: short protein forms M333I.
Identifiers: ClinVar variation 432684 (VCV000432684.2), dbSNP rs1555729701, ClinGen allele CA404538936.